The following is an entry in ClinVar:

ClinVar aggregate classification (germline): Benign/Likely benign. Review status: criteria provided, multiple submitters, no conflicts (2 of 4 stars). 8 submissions from 8 submitters: Benign (1); Likely benign (6). 1 of the submissions does not count toward it. Last evaluated 2026-01-07.

Conditions:
Familial cancer of breast. Also called: BREAST CANCER, FAMILIAL; Hereditary breast cancer; hereditary breast carcinoma. Identifiers: Orphanet 227535, MedGen C0346153, MONDO:0016419, OMIM 114480. Disease mechanism: loss of function.
Ataxia-telangiectasia syndrome (AT). Also called: Ataxia-telangiectasia, complementation group D; AT, COMPLEMENTATION GROUP C; ATAXIA-TELANGIECTASIA, COMPLEMENTATION GROUP A; ATAXIA-TELANGIECTASIA, FRESNO VARIANT; Ataxia-telangiectasia; LOUIS-BAR SYNDROME. Identifiers: Orphanet 100, MedGen C0004135, MONDO:0008840, OMIM 208900.
Hereditary cancer-predisposing syndrome. Also called: Hereditary Cancer Syndrome; Neoplastic Syndromes, Hereditary; Tumor predisposition; Hereditary neoplastic syndrome. Identifiers: Orphanet 140162, MedGen C0027672, MeSH D009386, MONDO:0015356.

Allele frequency attached by ClinVar (database versions not stated): gnomAD exomes below 0.00001 and 0.00001; TOPMed below 0.00001.
gnomAD v4.1: 9 of 1,613,806 alleles (0.00056%); highest among the groups gnomAD compares: Middle Eastern, 0.017%; no homozygotes.

Submissions (8):

Labcorp Genetics (formerly Invitae), Labcorp
Classification: Likely benign for Ataxia-telangiectasia syndrome. Last evaluated: 2026-01-07. Review status: criteria provided, single submitter. Criteria: Invitae Variant Classification Sherloc (09022015). Collection method: clinical testing. Allele origin: germline.

Myriad Genetics, Inc.
Classification: Benign for Familial cancer of breast. Last evaluated: 2024-05-22. Review status: criteria provided, single submitter. Criteria: Myriad Autosomal Dominant, Autosomal Recessive and X-Linked Classification Criteria (2023). Collection method: clinical testing. Allele origin: unknown.
Comment: This variant is considered benign. This variant is a silent/synonymous amino acid change and it is not expected to impact splicing.

Women's Health and Genetics/Laboratory Corporation of America, LabCorp
Classification: Likely benign. Last evaluated: 2023-08-07. Review status: criteria provided, single submitter. Criteria: LabCorp Variant Classification Summary - May 2015. Collection method: clinical testing. Allele origin: germline.

KCCC/NGS Laboratory, Kuwait Cancer Control Center
Classification: Likely benign for Familial cancer of breast. Last evaluated: 2023-07-07. Review status: criteria provided, single submitter. Criteria: ACMG Guidelines, 2015. Collection method: clinical testing. Allele origin: germline. Affected: yes.

Color Diagnostics, LLC DBA Color Health
Classification: Likely benign for Hereditary cancer-predisposing syndrome. Last evaluated: 2019-01-22. Review status: criteria provided, single submitter. Criteria: ACMG Guidelines, 2015. Collection method: clinical testing. Allele origin: germline.

GeneDx
Classification: Likely benign. Last evaluated: 2018-11-16. Review status: criteria provided, single submitter. Criteria: GeneDx Variant Classification Process June 2021. Collection method: clinical testing. Allele origin: germline. Affected: yes.

Ambry Genetics
Classification: Likely benign for Hereditary cancer-predisposing syndrome. Last evaluated: 2014-08-20. Review status: criteria provided, single submitter. Criteria: Ambry Variant Classification Scheme 2023. Collection method: clinical testing. Allele origin: germline.

Counsyl
Classification: Likely benign for Ataxia-telangiectasia syndrome. Last evaluated: 2017-01-24. Review status: no assertion criteria provided. Collection method: clinical testing. Allele origin: unknown. Not counted in ClinVar's aggregate classification.

NM_000051.4(ATM):c.5145G>A (p.Leu1715=)

Gene: ATM (ATM serine/threonine kinase; plus strand). Cytogenetic location: 11q22.3.
Variant type: single nucleotide variant.
Coding change: c.5145G>A on transcript NM_000051.4 (MANE Select); coding-DNA position 5145, G replaced by A.
Protein change: p.Leu1715=; no amino-acid change (leucine 1715 retained).
Molecular consequence: synonymous variant.
Genome position (GRCh38, 1-based): chr11:108,299,853, G>A. VCF-style: chr11-108299853-G-A. GRCh37 (hg19) VCF-style: chr11-108170580-G-A.
Other names: c.5145G>A, p.Leu1715= (NM_001351834.2).
Identifiers: ClinVar variation 186194 (VCV000186194.22), dbSNP rs786202765, ClinGen allele CA194117.